The following is an entry in ClinVar:

NM_032188.3(KAT8):c.1312+34G>C

Gene: KAT8 (lysine acetyltransferase 8; plus strand). Cytogenetic location: 16p11.2.
Variant type: single nucleotide variant.
Coding change: c.1312+34G>C on transcript NM_032188.3 (MANE Select); 34 bases into the intron after coding-DNA position 1312, G replaced by C.
Molecular consequence: intron variant. On other transcripts: missense variant (1).
Genome position (GRCh38, 1-based): chr16:31,130,934, G>C. VCF-style: chr16-31130934-G-C. GRCh37 (hg19) VCF-style: chr16-31142255-G-C.
Other names: c.1346G>C, p.Trp449Ser (NM_182958.4); short protein forms W449S.
Identifiers: ClinVar variation 2189567 (VCV002189567.4), dbSNP rs531287260, ClinGen allele CA280586772.

ClinVar aggregate classification (germline): Uncertain significance (1 of 4 stars; one submission).

Allele frequency attached by ClinVar (database versions not stated): TOPMed below 0.00001.

Submission:

Labcorp Genetics (formerly Invitae), Labcorp
Classification: Uncertain significance. Last evaluated: 2022-09-15. Review status: criteria provided, single submitter. Criteria: Invitae Variant Classification Sherloc (09022015). Collection method: clinical testing. Allele origin: germline.
Comment: This sequence change replaces tryptophan, which is neutral and slightly polar, with serine, which is neutral and polar, at codon 449 of the KAT8 protein (p.Trp449Ser). This variant is not present in population databases (gnomAD no frequency). This variant has not been reported in the literature in individuals affected with KAT8-related conditions. Algorithms developed to predict the effect of missense changes on protein structure and function are either unavailable or do not agree on the potential impact of this missense change (SIFT: "Deleterious"; PolyPhen-2: "Benign"; Align-GVGD: "Class C65"). In summary, the available evidence is currently insufficient to determine the role of this variant in disease. Therefore, it has been classified as a Variant of Uncertain Significance.